The following is an entry in ClinVar:

NM_000875.5(IGF1R):c.*2424_*2427del

Gene: IGF1R (insulin like growth factor 1 receptor; plus strand). Cytogenetic location: 15q26.3.
Variant type: Deletion.
Coding change: c.*2424_*2427del on transcript NM_000875.5 (MANE Select); 2424 bases downstream of the stop codon through 2427 bases downstream of the stop codon, 4 bases deleted (AAAG; older notation c.*2424_*2427delAAAG).
Molecular consequence: 3 prime UTR variant.
Genome position (GRCh38, 1-based): chr15:98,959,866-98,959,869, AAAG deleted. VCF-style (leftmost placement, unchanged base first): chr15-98959865-AAAAG-A. GRCh37 (hg19) VCF-style: chr15-99503094-AAAAG-A.
Other names: c.*2424_*2427del (NM_001291858.2).
Identifiers: ClinVar variation 3029039 (VCV003029039.2), dbSNP rs2017154376, ClinGen allele CA973306791.

ClinVar aggregate classification (germline): Likely benign (0 of 4 stars; one submission).

Conditions:
IGF1R-related disorder. Also called: IGF1R-related condition.

Allele frequency attached by ClinVar (database versions not stated): gnomAD 0.00001; gnomAD exomes 0.00001; TOPMed 0.00002.

Submission:

PreventionGenetics, part of Exact Sciences
Classification: Likely benign for IGF1R-related condition. Last evaluated: 2024-02-16. Review status: no assertion criteria provided. Collection method: clinical testing. Allele origin: germline.
Comment: This variant is classified as likely benign based on ACMG/AMP sequence variant interpretation guidelines (Richards et al. 2015 PMID: 25741868, with internal and published modifications).